The following is an entry in ClinVar:

ClinVar aggregate classification (germline): Uncertain significance (1 of 4 stars; one submission).

gnomAD v4.1: 1 of 1,614,118 alleles (0.000062%); no homozygotes.

Submission:

Labcorp Genetics (formerly Invitae), Labcorp
Classification: Uncertain significance. Last evaluated: 2024-04-13. Review status: criteria provided, single submitter. Criteria: Invitae Variant Classification Sherloc (09022015). Collection method: clinical testing. Allele origin: germline.
Comment: This sequence change replaces lysine, which is basic and polar, with threonine, which is neutral and polar, at codon 931 of the FLNB protein (p.Lys931Thr). This variant is not present in population databases (gnomAD no frequency). This variant has not been reported in the literature in individuals affected with FLNB-related conditions. Advanced modeling of protein sequence and biophysical properties (such as structural, functional, and spatial information, amino acid conservation, physicochemical variation, residue mobility, and thermodynamic stability) performed at Invitae indicates that this missense variant is not expected to disrupt FLNB protein function with a negative predictive value of 95%. In summary, the available evidence is currently insufficient to determine the role of this variant in disease. Therefore, it has been classified as a Variant of Uncertain Significance.

NM_001457.4(FLNB):c.2792A>C (p.Lys931Thr)

Gene: FLNB (filamin B; plus strand). Cytogenetic location: 3p14.3.
Variant type: single nucleotide variant.
Coding change: c.2792A>C on transcript NM_001457.4 (MANE Select); coding-DNA position 2792, A replaced by C.
Protein change: p.Lys931Thr; replaces lysine 931 with threonine.
Molecular consequence: missense variant.
Genome position (GRCh38, 1-based): chr3:58,118,918, A>C. VCF-style: chr3-58118918-A-C. GRCh37 (hg19) VCF-style: chr3-58104645-A-C.
Other names: c.2792A>C, p.Lys931Thr (NM_001164317.2, NM_001164318.2, NM_001164319.2); short protein forms K931T.
Identifiers: ClinVar variation 3635714 (VCV003635714.2).